The following is an entry in ClinVar:

NM_000256.3(MYBPC3):c.2527G>C (p.Glu843Gln)

Gene: MYBPC3 (myosin binding protein C3; minus strand). Cytogenetic location: 11p11.2.
Variant type: single nucleotide variant.
Coding change: c.2527G>C on transcript NM_000256.3 (MANE Select); coding-DNA position 2527, G replaced by C.
Protein change: p.Glu843Gln; replaces glutamic acid 843 with glutamine.
Molecular consequence: missense variant.
Genome position (GRCh38, 1-based): chr11:47,337,466, C>G on the plus strand (G>C on the coding strand, the complement: MYBPC3 is on the minus strand). VCF-style: chr11-47337466-C-G. GRCh37 (hg19) VCF-style: chr11-47359017-C-G.
Other names: short protein forms E843Q.
Identifiers: ClinVar variation 2834785 (VCV002834785.5), dbSNP rs730880567, ClinGen allele CA380318187.

ClinVar aggregate classification (germline): Uncertain significance. Review status: criteria provided, multiple submitters, no conflicts (2 of 4 stars). 3 submissions from 3 submitters: Uncertain significance (3). Last evaluated 2024-04-25.

Conditions:
Cardiovascular phenotype. Identifiers: MedGen CN230736.
Hypertrophic cardiomyopathy. Also called: HYPERTROPHIC MYOCARDIOPATHY. Identifiers: Orphanet 217569, MedGen C0007194, MeSH D002312, MONDO:0005045, HP:0001639.

Submissions (3):

All of Us Research Program, National Institutes of Health
Classification: Uncertain significance for Hypertrophic cardiomyopathy. Last evaluated: 2024-04-25. Review status: criteria provided, single submitter. Criteria: ACMG Guidelines, 2015. Collection method: clinical testing. Allele origin: germline. Inheritance: Autosomal dominant inheritance. Observed: 1 variant allele, 1 heterozygote.
Comment: This missense variant replaces glutamic acid with glutamine at codon 843 of the MYBPC3 protein. Computational prediction suggests that this variant may not impact protein structure and function (internally defined REVEL score threshold <= 0.5, PMID: 27666373). To our knowledge, functional studies have not been reported for this variant. This variant has not been reported in individuals affected with MYBPC3-related disorders in the literature. This variant has not been identified in the general population by the Genome Aggregation Database (gnomAD). The available evidence is insufficient to determine the role of this variant in disease conclusively. Therefore, this variant is classified as a Variant of Uncertain Significance.

This study involves interpretation of variants in research participants for the purpose of population health screening. Participant phenotype was not available at the time of variant classification. Additional details can be found in publication PMID: 35346344, PMCID: PMC8962531

Ambry Genetics
Classification: Uncertain significance for Cardiovascular phenotype. Last evaluated: 2024-02-09. Review status: criteria provided, single submitter. Criteria: Ambry Variant Classification Scheme 2023. Collection method: clinical testing. Allele origin: germline.
Comment: The p.E843Q variant (also known as c.2527G>C), located in coding exon 25 of the MYBPC3 gene, results from a G to C substitution at nucleotide position 2527. The glutamic acid at codon 843 is replaced by glutamine, an amino acid with highly similar properties. This amino acid position is conserved. In addition, the in silico prediction for this alteration is inconclusive. Based on the available evidence, the clinical significance of this alteration remains unclear.

Labcorp Genetics (formerly Invitae), Labcorp
Classification: Uncertain significance for Hypertrophic cardiomyopathy. Last evaluated: 2023-03-27. Review status: criteria provided, single submitter. Criteria: Invitae Variant Classification Sherloc (09022015). Collection method: clinical testing. Allele origin: germline.
Comment: In summary, the available evidence is currently insufficient to determine the role of this variant in disease. Therefore, it has been classified as a Variant of Uncertain Significance. This sequence change replaces glutamic acid, which is acidic and polar, with glutamine, which is neutral and polar, at codon 843 of the MYBPC3 protein (p.Glu843Gln). This variant is not present in population databases (gnomAD no frequency). This variant has not been reported in the literature in individuals affected with MYBPC3-related conditions. An algorithm developed to predict the effect of missense changes on protein structure and function (PolyPhen-2) suggests that this variant is likely to be disruptive.